The following is an entry in ClinVar:

NM_007294.4(BRCA1):c.3954del (p.Ile1318fs)

Genes: BRCA1 (BRCA1 DNA repair associated; minus strand), LOC126862571 (BRD4-independent group 4 enhancer GRCh37_chr17:41243136-41244335; plus strand). Cytogenetic location: 17q21.31.
Variant type: Deletion.
Coding change: c.3954del on transcript NM_007294.4 (MANE Select); coding-DNA position 3954, one base deleted (T; older notation c.3954delT).
Protein change: p.Ile1318fs; shifts the reading frame from isoleucine 1318.
Molecular consequence: frameshift variant. On other transcripts: intron variant (135).
Genome position (GRCh38, 1-based): chr17:43,091,577, A deleted on the plus strand (T on the coding strand, the reverse complement: BRCA1 is on the minus strand); the first of 2 consecutive A bases (chr17:43,091,577-43,091,578); deleting either gives the same sequence. VCF-style (leftmost placement, unchanged base first): chr17-43091576-CA-C. GRCh37 (hg19) VCF-style: chr17-41243593-CA-C.
Other names: c.3954delT (NM_007294.3); c.3741del, p.Ile1247fs (NM_001407571.1, NM_001407853.1, NM_001407894.1 and 9 more transcripts); c.3954del, p.Ile1318fs (NM_001407581.1, NM_001407582.1, NM_001407583.1 and 30 more transcripts); c.3951del, p.Ile1317fs (NM_001407587.1, NM_001407590.1, NM_001407591.1 and 22 more transcripts); c.3945del, p.Ile1315fs (NM_001407646.1, NM_001407647.1); c.3831del, p.Ile1277fs (NM_001407648.1, NM_001407664.1, NM_001407665.1 and 19 more transcripts); c.3828del, p.Ile1276fs (NM_001407649.1, NM_001407670.1, NM_001407671.1 and 11 more transcripts); c.3876del, p.Ile1292fs (NM_001407653.1, NM_001407654.1, NM_001407655.1 and 4 more transcripts); and 42 more; short protein forms I1271fs, I1318fs, I1150fs, I1190fs, I1191fs, I1206fs, I1250fs, I450fs.
Identifiers: ClinVar variation 431256 (VCV000431256.4), dbSNP rs1135401870, ClinGen allele CA645373169.

ClinVar aggregate classification (germline): Pathogenic. Review status: reviewed by expert panel (3 of 4 stars). 4 submissions from 4 submitters: Pathogenic (1). 3 of the submissions do not count toward it. Last evaluated 2017-12-15.

Conditions:
Hereditary breast ovarian cancer syndrome. Also called: Hereditary breast and ovarian cancer syndrome (HBOC); BRCA1- and BRCA2-Associated Hereditary Breast and Ovarian Cancer; Hereditary breast and/or ovarian cancer syndrome; Hereditary breast and ovarian cancer syndrome; Hereditary breast and ovarian cancer; Breast and ovarian cancer. Identifiers: Orphanet 145, MedGen C0677776, MeSH D061325, MONDO:0003582. Disease mechanism: loss of function.
Hereditary cancer-predisposing syndrome. Also called: Neoplastic Syndromes, Hereditary; Hereditary neoplastic syndrome; Tumor predisposition; Hereditary Cancer Syndrome. Identifiers: Orphanet 140162, MedGen C0027672, MeSH D009386, MONDO:0015356.
Inherited breast cancer and ovarian cancer.
Breast-ovarian cancer, familial, susceptibility to, 1 (BROVCA1). Also called: BRCA1 Hereditary Breast and Ovarian Cancer; OVARIAN CANCER, SUSCEPTIBILITY TO. Identifiers: Orphanet 145, MedGen C2676676, MONDO:0011450, OMIM 604370. Disease mechanism: loss of function.

Submissions (4):

Evidence-based Network for the Interpretation of Germline Mutant Alleles (ENIGMA)
Classification: Pathogenic for Breast-ovarian cancer, familial, susceptibility to, 1. Last evaluated: 2017-12-15. Review status: reviewed by expert panel. Criteria: ENIGMA BRCA1/2 Classification Criteria (2017-06-29). Collection method: curation. Allele origin: germline. Study: ENIGMA.
Comment: Variant allele predicted to encode a truncated non-functional protein.

Genetics Laboratory, Great Ormond Street Hospital NHS Foundation Trust, North Thames Genomic Laboratory Hub
Classification: Pathogenic for Inherited breast cancer and ovarian cancer. Last evaluated: 2026-02-10. Review status: criteria provided, single submitter. Criteria: CanVIG BRCA Gene Specific V1.22. Collection method: clinical testing. Allele origin: germline. Affected: yes. Not counted in ClinVar's aggregate classification.
Comment: PS4_supporting, PM2_moderate, PVS1_very-strong, PM5_strong

Ambry Genetics
Classification: Pathogenic for Hereditary cancer-predisposing syndrome. Last evaluated: 2025-12-17. Review status: criteria provided, single submitter. Criteria: Ambry Variant Classification Scheme 2023. Collection method: clinical testing. Allele origin: germline. Not counted in ClinVar's aggregate classification.
Comment: The c.3954delT pathogenic mutation, located in coding exon 9 of the BRCA1 gene, results from a deletion of one nucleotide at nucleotide position 3954, causing a translational frameshift with a predicted alternate stop codon (p.I1318Mfs*7). This variant is considered to be rare based on population cohorts in the Genome Aggregation Database (gnomAD). This alteration is expected to result in loss of function by premature protein truncation or nonsense-mediated mRNA decay. As such, this alteration is interpreted as a disease-causing mutation.

Research Molecular Genetics Laboratory, Women's College Hospital, University of Toronto
Classification: Pathogenic for Hereditary breast ovarian cancer syndrome. Last evaluated: 2014-01-31. Review status: no assertion criteria provided. Collection method: research. Allele origin: germline. Affected: yes. Study: The Canadian Open Genetics Repository (COGR). Not counted in ClinVar's aggregate classification.